The following is an entry in ClinVar:

NM_001112726.3(CEP170B):c.381G>A (p.Ala127=)

Gene: CEP170B (centrosomal protein 170B; plus strand). Cytogenetic location: 14q32.33.
Variant type: single nucleotide variant.
Coding change: c.381G>A on transcript NM_001112726.3 (MANE Select); coding-DNA position 381, G replaced by A.
Protein change: p.Ala127=; no amino-acid change (alanine 127 retained).
Molecular consequence: synonymous variant.
Genome position (GRCh38, 1-based): chr14:104,880,334, G>A. VCF-style: chr14-104880334-G-A. GRCh37 (hg19) VCF-style: chr14-105346671-G-A.
Other names: c.171G>A, p.Ala57= (NM_015005.3).
Identifiers: ClinVar variation 3058725 (VCV003058725.2), dbSNP rs185370385, ClinGen allele CA7375260.

ClinVar aggregate classification (germline): Likely benign (0 of 4 stars; one submission).

Conditions:
CEP170B-related disorder. Also called: CEP170B-related condition.

Allele frequency attached by ClinVar (database versions not stated): gnomAD exomes 0.00021; ExAC 0.00028; ESP Exome Variant Server 0.00039; gnomAD 0.00041; TOPMed 0.00057; 1000 Genomes Project 0.00080; 1000 Genomes Project 30x 0.00094.

Submission:

PreventionGenetics, part of Exact Sciences
Classification: Likely benign for CEP170B-related condition. Last evaluated: 2019-03-12. Review status: no assertion criteria provided. Collection method: clinical testing. Allele origin: germline.
Comment: This variant is classified as likely benign based on ACMG/AMP sequence variant interpretation guidelines (Richards et al. 2015 PMID: 25741868, with internal and published modifications).